The following is an entry in ClinVar:

NM_017576.4(KIF27):c.3106A>G (p.Asn1036Asp)

Gene: KIF27 (kinesin family member 27; minus strand). Cytogenetic location: 9q21.32.
Variant type: single nucleotide variant.
Coding change: c.3106A>G on transcript NM_017576.4 (MANE Select); coding-DNA position 3106, A replaced by G.
Protein change: p.Asn1036Asp; replaces asparagine 1036 with aspartic acid.
Molecular consequence: missense variant. On other transcripts: intron variant (2).
Genome position (GRCh38, 1-based): chr9:83,859,200, T>C on the plus strand (A>G on the coding strand, the complement: KIF27 is on the minus strand). VCF-style: chr9-83859200-T-C. GRCh37 (hg19) VCF-style: chr9-86474115-T-C.
Other names: c.2908A>G, p.Asn970Asp (NM_001271927.3); c.2815A>G, p.Asn939Asp (NM_001271928.3); c.1666A>G, p.Asn556Asp (NM_001354070.2); c.1495-5365A>G (NM_001354071.2); c.2758-5365A>G (NM_001354069.2); short protein forms N1036D, N939D, N556D, N970D.
Identifiers: ClinVar variation 403013 (VCV000403013.5), dbSNP rs55654273, ClinGen allele CA5102699.

ClinVar aggregate classification (germline): Benign. Review status: criteria provided, multiple submitters, no conflicts (2 of 4 stars). 2 submissions from 2 submitters: Benign (2). Last evaluated 2016-03-29.

Allele frequency attached by ClinVar (database versions not stated): 1000 Genomes Project 0.12081; 1000 Genomes Project 30x 0.12149; gnomAD exomes 0.12224 and 0.13304; ExAC 0.12277; TOPMed 0.12913; gnomAD 0.13409 and 0.13639; ESP Exome Variant Server 0.14026.
gnomAD v4.1: 214,445 of 1,613,412 alleles (13%); highest among the groups gnomAD compares: African/African-American, 14%; 14,901 homozygotes.

Submissions (2):

Laboratory for Molecular Medicine, Mass General Brigham Personalized Medicine
Classification: Benign. Last evaluated: 2016-03-29. Review status: criteria provided, single submitter. Criteria: LMM Criteria. Collection method: clinical testing. Allele origin: germline.
Comment: Variant identified in a genome or exome case(s) and assessed due to predicted null impact of the variant or pathogenic assertions in the literature or databases. Disclaimer: This variant has not undergone full assessment. The following are preliminary notes: Frequency

Breakthrough Genomics
Classification: Benign. Review status: criteria provided, single submitter. Criteria: ACMG Guidelines, 2015. Collection method: not provided. Allele origin: germline. Inheritance: Unknown mechanism. Affected: yes.